The following is an entry in ClinVar:

NC_000006.11:g.(?_45459658)_(45459871_?)del

Gene: RUNX2 (RUNX family transcription factor 2; plus strand). Cytogenetic location: 6p21.1.
Variant type: Deletion.
Identifiers: ClinVar variation 2423486 (VCV002423486.4).

ClinVar aggregate classification (germline): Uncertain significance (1 of 4 stars; one submission).

Submission:

Labcorp Genetics (formerly Invitae), Labcorp
Classification: Uncertain significance. Last evaluated: 2022-08-20. Review status: criteria provided, single submitter. Criteria: Invitae Variant Classification Sherloc (09022015). Collection method: clinical testing. Allele origin: germline.
Comment: This variant is a gross deletion of the genomic region encompassing exon(s) 6 of the RUNX2 gene. This variant would be expected to be in-frame, preserving the integrity of the reading frame. This variant has not been reported in the literature in individuals affected with RUNX2-related conditions. Experimental studies and prediction algorithms are not available or were not evaluated, and the functional significance of this variant is currently unknown. In summary, the available evidence is currently insufficient to determine the role of this variant in disease. Therefore, it has been classified as a Variant of Uncertain Significance.